The following is an entry in ClinVar:

ClinVar aggregate classification (germline): Uncertain significance (1 of 4 stars; one submission).

Conditions:
Beckwith-Wiedemann syndrome (BWS). Also called: Exomphalos macroglossia gigantism syndrome; EMG SYNDROME. Identifiers: Orphanet 116, MedGen C0004903, MONDO:0007534, OMIM 130650.

Allele frequency attached by ClinVar (database versions not stated): TOPMed 0.00001.

Submission:

Labcorp Genetics (formerly Invitae), Labcorp
Classification: Uncertain significance for Beckwith-Wiedemann syndrome. Last evaluated: 2022-04-01. Review status: criteria provided, single submitter. Criteria: Invitae Variant Classification Sherloc (09022015). Collection method: clinical testing. Allele origin: germline.
Comment: This sequence change replaces alanine, which is neutral and non-polar, with proline, which is neutral and non-polar, at codon 283 of the CDKN1C protein (p.Ala283Pro). In summary, the available evidence is currently insufficient to determine the role of this variant in disease. Therefore, it has been classified as a Variant of Uncertain Significance. Algorithms developed to predict the effect of missense changes on protein structure and function are either unavailable or do not agree on the potential impact of this missense change (SIFT: "Tolerated"; PolyPhen-2: "Not Available"; Align-GVGD: "Class C0"). ClinVar contains an entry for this variant (Variation ID: 646933). This variant has not been reported in the literature in individuals affected with CDKN1C-related conditions. This variant is not present in population databases (gnomAD no frequency).

NM_001122630.2(CDKN1C):c.814G>C (p.Ala272Pro)

Gene: CDKN1C (cyclin dependent kinase inhibitor 1C; minus strand). Cytogenetic location: 11p15.4.
Variant type: single nucleotide variant.
Coding change: c.814G>C on transcript NM_001122630.2 (MANE Select); coding-DNA position 814, G replaced by C.
Protein change: p.Ala272Pro; replaces alanine 272 with proline.
Molecular consequence: missense variant.
Genome position (GRCh38, 1-based): chr11:2,884,108, C>G on the plus strand (G>C on the coding strand, the complement: CDKN1C is on the minus strand). VCF-style: chr11-2884108-C-G. GRCh37 (hg19) VCF-style: chr11-2905338-C-G.
Other names: c.847G>C, p.Ala283Pro (LRG_533t1, NM_000076.2, NM_001362474.2); c.814G>C, p.Ala272Pro (NM_001122631.2); c.282G>C, p.Gln94His (NM_001362475.2); short protein forms Q94H, A283P, A272P.
Identifiers: ClinVar variation 646933 (VCV000646933.8), dbSNP rs1377763757, ClinGen allele CA379145060.